The following is an entry in ClinVar:

NM_000410.4(HFE):c.407G>A (p.Trp136Ter)

Gene: HFE (homeostatic iron regulator; plus strand). Cytogenetic location: 6p22.2.
Variant type: single nucleotide variant.
Coding change: c.407G>A on transcript NM_000410.4 (MANE Select); coding-DNA position 407, G replaced by A.
Protein change: p.Trp136Ter; replaces tryptophan 136 with a stop codon.
Molecular consequence: nonsense. On other transcripts: intron variant (4).
Genome position (GRCh38, 1-based): chr6:26,091,380, G>A. VCF-style: chr6-26091380-G-A. GRCh37 (hg19) VCF-style: chr6-26091608-G-A.
Other names: c.407G>A, p.Trp136Ter (NM_001300749.3, NM_001384164.1, NM_001406751.1 and 1 more transcripts); c.143G>A, p.Trp48Ter (NM_001406752.1, NM_139007.3, NM_139008.3); c.338G>A, p.Trp113Ter (NM_139009.3); c.340+276G>A (NM_139004.3, NM_139003.3); c.77-1305G>A (NM_139010.3); c.77-1739G>A (NM_139011.3); short protein forms W136*, W48*, W113*.
Identifiers: ClinVar variation 2016731 (VCV002016731.4), dbSNP rs2481606711, ClinGen allele CA363206544.

ClinVar aggregate classification (germline): Pathogenic (1 of 4 stars; one submission).

Conditions:
Hereditary hemochromatosis (HFE). Identifiers: MedGen C0392514, MONDO:0006507. Disease mechanism: loss of function.

Submission:

Labcorp Genetics (formerly Invitae), Labcorp
Classification: Pathogenic for Hereditary hemochromatosis. Last evaluated: 2022-07-13. Review status: criteria provided, single submitter. Criteria: Invitae Variant Classification Sherloc (09022015). Collection method: clinical testing. Allele origin: germline.
Comment: For these reasons, this variant has been classified as Pathogenic. This variant has not been reported in the literature in individuals affected with HFE-related conditions. This variant is not present in population databases (gnomAD no frequency). This sequence change creates a premature translational stop signal (p.Trp136*) in the HFE gene. It is expected to result in an absent or disrupted protein product. Loss-of-function variants in HFE are known to be pathogenic (PMID: 27518069).

Literature cited by the submitters: PubMed 27518069.